The following is an entry in ClinVar:

NM_015295.3(SMCHD1):c.569C>G (p.Thr190Ser)

Gene: SMCHD1 (structural maintenance of chromosomes flexible hinge domain containing 1; plus strand). Cytogenetic location: 18p11.32.
Variant type: single nucleotide variant.
Coding change: c.569C>G on transcript NM_015295.3 (MANE Select); coding-DNA position 569, C replaced by G.
Protein change: p.Thr190Ser; replaces threonine 190 with serine.
Molecular consequence: missense variant.
Genome position (GRCh38, 1-based): chr18:2,674,076, C>G. VCF-style: chr18-2674076-C-G. GRCh37 (hg19) VCF-style: chr18-2674075-C-G.
Other names: short protein forms T190S.
Identifiers: ClinVar variation 1425388 (VCV001425388.8), dbSNP rs1459162980, ClinGen allele CA401690118.

ClinVar aggregate classification (germline): Uncertain significance (1 of 4 stars; one submission).

Conditions:
Facioscapulohumeral muscular dystrophy 2 (FSHD2). Also called: MUSCULAR DYSTROPHY, FACIOSCAPULOHUMERAL, TYPE 1B; FACIOSCAPULOHUMERAL MUSCULAR DYSTROPHY 2, DIGENIC; FSHD2, DIGENIC. Identifiers: Orphanet 269, MedGen C1834671, MONDO:0008031, OMIM 158901.

Allele frequency attached by ClinVar (database versions not stated): gnomAD exomes below 0.00001; TOPMed below 0.00001; gnomAD 0.00001.
gnomAD v4.1: 3 of 1,603,766 alleles (0.00019%); highest among the groups gnomAD compares: Non-Finnish European, 0.00026%; no homozygotes.

Submission:

Labcorp Genetics (formerly Invitae), Labcorp
Classification: Uncertain significance for Facioscapulohumeral muscular dystrophy 2. Last evaluated: 2021-06-26. Review status: criteria provided, single submitter. Criteria: Invitae Variant Classification Sherloc (09022015). Collection method: clinical testing. Allele origin: germline.
Comment: This variant has not been reported in the literature in individuals with SMCHD1-related conditions. This sequence change replaces threonine with serine at codon 190 of the SMCHD1 protein (p.Thr190Ser). The threonine residue is highly conserved and there is a small physicochemical difference between threonine and serine. This variant is not present in population databases (ExAC no frequency). Algorithms developed to predict the effect of missense changes on protein structure and function are either unavailable or do not agree on the potential impact of this missense change (SIFT: "Deleterious"; PolyPhen-2: "Benign"; Align-GVGD: "Class C0"). In summary, the available evidence is currently insufficient to determine the role of this variant in disease. Therefore, it has been classified as a Variant of Uncertain Significance.